The following is an entry in ClinVar:

ClinVar aggregate classification (germline): Uncertain significance. Review status: criteria provided, multiple submitters, no conflicts (2 of 4 stars). 2 submissions from 2 submitters: Uncertain significance (2). Last evaluated 2022-07-12.

Conditions:
Alstrom syndrome (ALMS). Identifiers: Orphanet 64, MedGen C0268425, MONDO:0008763, OMIM 203800.

Allele frequency attached by ClinVar (database versions not stated): gnomAD exomes below 0.00001.
gnomAD v4.1: 1 of 1,614,190 alleles (0.000062%); highest among the groups gnomAD compares: Admixed American, 0.0017%; no homozygotes.

Submissions (2):

Labcorp Genetics (formerly Invitae), Labcorp
Classification: Uncertain significance for Alstrom syndrome. Last evaluated: 2022-07-12. Review status: criteria provided, single submitter. Criteria: Invitae Variant Classification Sherloc (09022015). Collection method: clinical testing. Allele origin: germline.
Comment: This variant has not been reported in the literature in individuals affected with ALMS1-related conditions. ClinVar contains an entry for this variant (Variation ID: 1347217). Experimental studies and prediction algorithms are not available or were not evaluated, and the functional significance of this variant is currently unknown. In summary, the available evidence is currently insufficient to determine the role of this variant in disease. Therefore, it has been classified as a Variant of Uncertain Significance. This variant is present in population databases (no rsID available, gnomAD 0.003%). This sequence change replaces serine, which is neutral and polar, with isoleucine, which is neutral and non-polar, at codon 3082 of the ALMS1 protein (p.Ser3082Ile).

Blueprint Genetics
Classification: Uncertain significance. Last evaluated: 2022-04-01. Review status: criteria provided, single submitter. Criteria: ACMG Guidelines, 2015. Collection method: clinical testing. Allele origin: germline.

NM_001378454.1(ALMS1):c.9242G>T (p.Ser3081Ile)

Gene: ALMS1 (ALMS1 centrosome and basal body associated protein; plus strand). Cytogenetic location: 2p13.1.
Variant type: single nucleotide variant.
Coding change: c.9242G>T on transcript NM_001378454.1 (MANE Select); coding-DNA position 9242, G replaced by T.
Protein change: p.Ser3081Ile; replaces serine 3081 with isoleucine.
Molecular consequence: missense variant.
Genome position (GRCh38, 1-based): chr2:73,491,201, G>T. VCF-style: chr2-73491201-G-T. GRCh37 (hg19) VCF-style: chr2-73718328-G-T.
Other names: c.9245G>T, p.Ser3082Ile (NM_015120.4); short protein forms S3081I, S3082I.
Identifiers: ClinVar variation 1347217 (VCV001347217.7), dbSNP rs750425368, ClinGen allele CA347273709.